The following is an entry in ClinVar:

ClinVar aggregate classification (germline): Benign (1 of 4 stars; one submission).

Conditions:
Congenital stationary night blindness autosomal dominant 3. Also called: NIGHT BLINDNESS, CONGENITAL STATIONARY, NOUGARET TYPE. Identifiers: Orphanet 215, MedGen C1864870, MONDO:0012497, OMIM 610444.

Allele frequency attached by ClinVar (database versions not stated): 1000 Genomes Project 0.00160; 1000 Genomes Project 30x 0.00187; gnomAD exomes 0.00199; gnomAD 0.00322 and 0.00324; TOPMed 0.00324.

Submission:

Illumina Laboratory Services, Illumina
Classification: Benign for Congenital stationary night blindness autosomal dominant 3. Last evaluated: 2018-01-12. Review status: criteria provided, single submitter. Criteria: ICSL Variant Classification Criteria 13 December 2019. Collection method: clinical testing. Allele origin: germline.
Comment: This variant was observed in the ICSL laboratory as part of a predisposition screen in an ostensibly healthy population. It had not been previously curated by ICSL or reported in the Human Gene Mutation Database (HGMD: prior to June 1st, 2018), and was therefore a candidate for classification through an automated scoring system. Utilizing variant allele frequency, disease prevalence and penetrance estimates, and inheritance mode, an automated score was calculated to assess if this variant is too frequent to cause the disease. Based on the score and internal cut-off values, a variant classified as benign is not then subjected to further curation. The score for this variant resulted in a classification of benign for this disease.

NM_144499.3(GNAT1):c.*410A>G

Gene: GNAT1 (G protein subunit alpha transducin 1; plus strand). Cytogenetic location: 3p21.31.
Variant type: single nucleotide variant.
Coding change: c.*410A>G on transcript NM_144499.3 (MANE Select); 410 bases downstream of the stop codon, A replaced by G.
Molecular consequence: 3 prime UTR variant. On other transcripts: intron variant (1).
Genome position (GRCh38, 1-based): chr3:50,195,676, A>G. VCF-style: chr3-50195676-A-G. GRCh37 (hg19) VCF-style: chr3-50233109-A-G.
Other names: c.1+720A>G (NM_000172.4).
Identifiers: ClinVar variation 346059 (VCV000346059.5), dbSNP rs557823715, ClinGen allele CA10616980.